The following is an entry in ClinVar:

NM_002332.3(LRP1):c.1289A>G (p.Asn430Ser)

Gene: LRP1 (LDL receptor related protein 1; plus strand). Cytogenetic location: 12q13.3.
Variant type: single nucleotide variant.
Coding change: c.1289A>G on transcript NM_002332.3 (MANE Select); coding-DNA position 1289, A replaced by G.
Protein change: p.Asn430Ser; replaces asparagine 430 with serine.
Molecular consequence: missense variant.
Genome position (GRCh38, 1-based): chr12:57,156,155, A>G. VCF-style: chr12-57156155-A-G. GRCh37 (hg19) VCF-style: chr12-57549938-A-G.
Other names: short protein forms N430S.
Identifiers: ClinVar variation 4976640 (VCV004976640.1).

ClinVar aggregate classification (germline): Uncertain significance (1 of 4 stars; one submission).

gnomAD v4.1: 2 of 1,614,036 alleles (0.00012%); highest among the groups gnomAD compares: East Asian, 0.0022%; no homozygotes.

Submission:

GeneDx
Classification: Uncertain significance. Last evaluated: 2023-04-06. Review status: criteria provided, single submitter. Criteria: GeneDx Variant Classification Process June 2021. Collection method: clinical testing. Allele origin: germline.
Comment: Not observed at significant frequency in large population cohorts (gnomAD); In silico analysis supports that this missense variant does not alter protein structure/function; Has not been previously published as pathogenic or benign to our knowledge; Variants in candidate genes are classified as variants of uncertain significance in accordance with ACMG guidelines (Richards et al., 2015)